The following is an entry in ClinVar:

NM_201253.3(CRB1):c.2234C>A (p.Thr745Lys)

Gene: CRB1 (crumbs cell polarity complex component 1; plus strand). Cytogenetic location: 1q31.3.
Variant type: single nucleotide variant.
Coding change: c.2234C>A on transcript NM_201253.3 (MANE Select); coding-DNA position 2234, C replaced by A.
Protein change: p.Thr745Lys; replaces threonine 745 with lysine.
Molecular consequence: missense variant. On other transcripts: non-coding transcript variant (2), intron variant (1).
Genome position (GRCh38, 1-based): chr1:197,427,559, C>A. VCF-style: chr1-197427559-C-A. GRCh37 (hg19) VCF-style: chr1-197396689-C-A.
Other names: c.1898C>A, p.Thr633Lys (NM_001193640.2); c.2027C>A, p.Thr676Lys (NM_001257965.2); c.2128+5603C>A (NM_001257966.2); short protein forms T633K, T676K, T745K.
Identifiers: ClinVar variation 973930 (VCV000973930.10), dbSNP rs28939720, ClinGen allele CA35900398.

ClinVar aggregate classification (germline): Pathogenic/Likely pathogenic. Review status: criteria provided, multiple submitters, no conflicts (2 of 4 stars). 5 submissions from 5 submitters: Pathogenic (1); Likely pathogenic (3). 1 of the submissions does not count toward it. Last evaluated 2024-06-28.

Conditions:
Leber congenital amaurosis 8 (LCA8). Identifiers: Orphanet 65, MedGen C3151202, MONDO:0013453, OMIM 613835.
Leber congenital amaurosis (LCA). Also called: Leber's amaurosis. Identifiers: Orphanet 65, MedGen C0339527, MeSH D057130, MONDO:0018998.
CRB1-related disorder. Also called: CRB1-related disorders; CRB1-related condition.
Retinitis pigmentosa 12 (RP12). Also called: RP WITH OR WITHOUT PPRPE; RP WITH OR WITHOUT PRESERVED PARAARTERIOLE RETINAL PIGMENT EPITHELIUM; RETINITIS PIGMENTOSA WITH OR WITHOUT PARAARTERIOLAR PRESERVATION OF RETINAL PIGMENT EPITHELIUM. Identifiers: Orphanet 791, MedGen C1838647, MONDO:0010818, OMIM 600105.

Allele frequency attached by ClinVar (database versions not stated): TOPMed 0.00001.
gnomAD v4.1: 1 of 1,613,780 alleles (0.000062%); highest among the groups gnomAD compares: African/African-American, 0.0013%; no homozygotes.

Submissions (5):

Natera, Inc.
Classification: Likely pathogenic for Leber congenital amaurosis. Last evaluated: 2024-06-28. Review status: criteria provided, single submitter. Criteria: Natera Variant Classification Schema (03/2026). Collection method: clinical testing. Allele origin: germline.
Comment: The c.2234C>A variant in CRB1 is a missense variant predicted to cause substitution of threonine to lysine at amino acid 745. This variant is rare in the general population with a frequency below the threshold expected for the associated phenotype(s). This variant has been observed in one or more individuals affected with the associated recessive disease, as either homozygous or compound heterozygous with a second variant (PMID: 34884448). A different variant at the same position has been determined to be Pathogenic or Likely Pathogenic. Computational prediction algorithms indicate this variant is likely to affect gene or protein function. Given the available evidence, this variant is classified as Likely Pathogenic.

Labcorp Genetics (formerly Invitae), Labcorp
Classification: Pathogenic for Leber congenital amaurosis 8; Retinitis pigmentosa 12. Last evaluated: 2024-02-02. Review status: criteria provided, single submitter. Criteria: Invitae Variant Classification Sherloc (09022015). Collection method: clinical testing. Allele origin: germline.
Comment: This sequence change replaces threonine, which is neutral and polar, with lysine, which is basic and polar, at codon 745 of the CRB1 protein (p.Thr745Lys). This variant is not present in population databases (gnomAD no frequency). This missense change has been observed in individual(s) with Leber congenital amaurosis (PMID: 22968130; Invitae). In at least one individual the data is consistent with being in trans (on the opposite chromosome) from a pathogenic variant. ClinVar contains an entry for this variant (Variation ID: 973930). Advanced modeling of protein sequence and biophysical properties (such as structural, functional, and spatial information, amino acid conservation, physicochemical variation, residue mobility, and thermodynamic stability) performed at Invitae indicates that this missense variant is expected to disrupt CRB1 protein function with a positive predictive value of 95%. This variant disrupts the p.Thr745 amino acid residue in CRB1. Other variant(s) that disrupt this residue have been determined to be pathogenic (PMID: 10508521, 15024725, 20956273, 23449718, 24715753; Invitae). This suggests that this residue is clinically significant, and that variants that disrupt this residue are likely to be disease-causing. For these reasons, this variant has been classified as Pathogenic.

Baylor Genetics
Classification: Likely pathogenic for Leber congenital amaurosis 8. Last evaluated: 2023-10-18. Review status: criteria provided, single submitter. Criteria: ACMG Guidelines, 2015. Collection method: clinical testing. Allele origin: unknown.

Blueprint Genetics
Classification: Likely pathogenic for CRB1-related disorders. Last evaluated: 2022-07-05. Review status: criteria provided, single submitter. Criteria: ACMG Guidelines, 2015. Collection method: clinical testing. Allele origin: germline. Affected: yes. Observed: 1 variant allele.

Laboratory of Genetics in Ophthalmology, Institut Imagine
Classification: Pathogenic for Leber congenital amaurosis 8. Review status: no assertion criteria provided. Collection method: research. Allele origin: inherited. Affected: yes. Observed: 1 variant allele. Not counted in ClinVar's aggregate classification.

Literature cited by the submitters: PubMed 34884448 (cited by Natera, Inc.); PubMed 22968130 (cited by Labcorp Genetics (formerly Invitae), Labcorp); PubMed 10508521 (cited by Labcorp Genetics (formerly Invitae), Labcorp and Laboratory of Genetics in Ophthalmology, Institut Imagine); PubMed 15024725 (cited by Labcorp Genetics (formerly Invitae), Labcorp); PubMed 20956273 (cited by Labcorp Genetics (formerly Invitae), Labcorp); PubMed 23449718 (cited by Labcorp Genetics (formerly Invitae), Labcorp); PubMed 24715753 (cited by Labcorp Genetics (formerly Invitae), Labcorp).